The following is an entry in ClinVar:

NM_001393769.1(MED12L):c.488C>T (p.Thr163Ile)

Gene: MED12L (mediator complex subunit 12L; plus strand). Cytogenetic location: 3q25.1.
Variant type: single nucleotide variant.
Coding change: c.488C>T on transcript NM_001393769.1 (MANE Select); coding-DNA position 488, C replaced by T.
Protein change: p.Thr163Ile; replaces threonine 163 with isoleucine.
Molecular consequence: missense variant.
Genome position (GRCh38, 1-based): chr3:151,127,916, C>T. VCF-style: chr3-151127916-C-T. GRCh37 (hg19) VCF-style: chr3-150845703-C-T.
Other names: c.488C>T, p.Thr163Ile (NM_053002.6); short protein forms T163I.
Identifiers: ClinVar variation 4624782 (VCV004624782.1).

ClinVar aggregate classification (germline): Uncertain significance (1 of 4 stars; one submission).

Conditions:
Inborn genetic diseases. Identifiers: MedGen C0950123, MeSH D030342.

gnomAD v4.1: 5 of 1,614,028 alleles (0.00031%); highest among the groups gnomAD compares: Non-Finnish European, 0.00034%; no homozygotes.

Submission:

Ambry Genetics
Classification: Uncertain significance for Inborn genetic diseases. Last evaluated: 2025-11-24. Review status: criteria provided, single submitter. Criteria: Ambry Variant Classification Scheme 2023. Collection method: clinical testing. Allele origin: germline.
Comment: The c.488C>T (p.T163I) alteration is located in exon 4 (coding exon 4) of the MED12L gene. This alteration results from a C to T substitution at nucleotide position 488, causing the threonine (T) at amino acid position 163 to be replaced by an isoleucine (I). Based on data from gnomAD, the T allele has an overall frequency of <0.001% (1/251356) total alleles studied. The highest observed frequency was <0.001% (/) of alleles. Based on insufficient or conflicting evidence, the clinical significance of this alteration remains unclear.